The following is an entry in ClinVar:

ClinVar aggregate classification (germline): Uncertain significance (1 of 4 stars; one submission).

Submission:

GeneDx
Classification: Uncertain significance. Last evaluated: 2025-06-05. Review status: criteria provided, single submitter. Criteria: GeneDx Variant Classification Process June 2021. Collection method: clinical testing. Allele origin: germline. Affected: yes.
Comment: Not observed at significant frequency in large population cohorts (gnomAD); In silico analysis supports that this missense variant has a deleterious effect on protein structure/function; Has not been previously published as pathogenic or benign to our knowledge

NM_001142864.4(PIEZO1):c.1277G>T (p.Cys426Phe)

Genes: HSALR1 (HSP90AB1 associated lncRNA 1; plus strand), PIEZO1 (piezo type mechanosensitive ion channel component 1 (Er blood group); minus strand). Cytogenetic location: 16q24.3.
Variant type: single nucleotide variant.
Coding change: c.1277G>T on transcript NM_001142864.4 (MANE Select); coding-DNA position 1277, G replaced by T.
Protein change: p.Cys426Phe; replaces cysteine 426 with phenylalanine.
Molecular consequence: missense variant.
Genome position (GRCh38, 1-based): chr16:88,736,658, C>A on the plus strand (G>T on the coding strand, the complement: PIEZO1 is on the minus strand). VCF-style: chr16-88736658-C-A. GRCh37 (hg19) VCF-style: chr16-88803066-C-A.
Other names: short protein forms C426F.
Identifiers: ClinVar variation 4536187 (VCV004536187.1).